The following is an entry in ClinVar:

NM_000478.6(ALPL):c.1100C>T (p.Ser367Phe)

Gene: ALPL (alkaline phosphatase, biomineralization associated; plus strand). Cytogenetic location: 1p36.12.
Variant type: single nucleotide variant.
Coding change: c.1100C>T on transcript NM_000478.6 (MANE Select); coding-DNA position 1100, C replaced by T.
Protein change: p.Ser367Phe; replaces serine 367 with phenylalanine.
Molecular consequence: missense variant.
Genome position (GRCh38, 1-based): chr1:21,575,835, C>T. VCF-style: chr1-21575835-C-T. GRCh37 (hg19) VCF-style: chr1-21902328-C-T.
Other names: c.1100C>T, p.Ser367Phe (NM_001369805.2, NM_001369803.2, NM_001369804.2); c.935C>T, p.Ser312Phe (NM_001127501.4); c.869C>T, p.Ser290Phe (NM_001177520.3); short protein forms S312F, S367F, S290F.
Identifiers: ClinVar variation 1479264 (VCV001479264.12), dbSNP rs1300239598, ClinGen allele CA338881234.
Genomic context (GRCh38, chr1:21,575,835, plus strand): 5'-AGGCCCTGCATGAGGCGGTGGAGATGGACCGGGCCATCGGGCAGGCAGGCAGCTTGACCT[C>T]CTCGGAAGACACTCTGACCGTGGTCACTGCGGACCATTCCCACGTCTTCACATTTGGTGG-3'
Protein context (NP_000469.3, residues 357-377): RAIGQAGSLT[Ser367Phe]SEDTLTVVTA

ClinVar aggregate classification (germline): Conflicting classifications of pathogenicity. Review status: criteria provided, conflicting classifications (1 of 4 stars). 3 submissions from 3 submitters: Likely pathogenic (1); Uncertain significance (2). Last evaluated 2026-09-01.

Conditions:
Osteogenesis imperfecta (OI). Identifiers: Orphanet 666, MedGen C0029434, MeSH D010013, MONDO:0019019.
Hypophosphatasia. Also called: Phosphoethanol-aminuria. Identifiers: Orphanet 436, MedGen C0020630, MeSH D007014, MONDO:0018570.

Allele frequency attached by ClinVar (database versions not stated): gnomAD exomes below 0.00001 and 0.00004; gnomAD 0.00001; TOPMed 0.00002.
gnomAD v4.1: 54 of 1,614,120 alleles (0.0033%); highest among the groups gnomAD compares: Non-Finnish European, 0.0046%; no homozygotes.

Submissions (3):

Genomenon, Inc
Classification: Uncertain significance for Hypophosphatasia. Last evaluated: 2026-09-01. Review status: criteria provided, single submitter. Criteria: Genomenon Sequence Variant Interpretation Standards - Updated. Collection method: curation. Allele origin: germline. Affected: no.
Comment: ALPL p.Ser367Phe (c.1100C>T) is a missense variant that changes the amino acid at codon 367 from Serine to Phenylalanine. This variant has been reported in the published literature (PMID:39983296). It is absent or not present at a significant frequency in gnomAD. In conclusion, we classify ALPL p.Ser367Phe (c.1100C>T) as a variant of uncertain significance.

Labcorp Genetics (formerly Invitae), Labcorp
Classification: Likely pathogenic. Last evaluated: 2025-11-19. Review status: criteria provided, single submitter. Criteria: Invitae Variant Classification Sherloc (09022015). Collection method: clinical testing. Allele origin: germline.
Comment: This sequence change replaces serine, which is neutral and polar, with phenylalanine, which is neutral and non-polar, at codon 367 of the ALPL protein (p.Ser367Phe). This variant is present in population databases (no rsID available, gnomAD 0.002%). This missense change has been observed in individual(s) with clinical features of hypophosphatasia (PMID: 39983296; internal data). ClinVar contains an entry for this variant (Variation ID: 1479264). Invitae Evidence Modeling of protein sequence and biophysical properties (such as structural, functional, and spatial information, amino acid conservation, physicochemical variation, residue mobility, and thermodynamic stability) indicates that this missense variant is expected to disrupt ALPL protein function with a positive predictive value of 95%. In summary, the currently available evidence indicates that the variant is pathogenic, but additional data are needed to prove that conclusively. Therefore, this variant has been classified as Likely Pathogenic.

Genome Diagnostics Laboratory, The Hospital for Sick Children
Classification: Uncertain significance for Osteogenesis imperfecta. Last evaluated: 2020-02-01. Review status: criteria provided, single submitter. Criteria: ACMG Guidelines, 2015. Collection method: clinical testing. Allele origin: germline.

Literature cited by the submitters: PubMed 39983296 (cited by Genomenon, Inc and Labcorp Genetics (formerly Invitae), Labcorp).